The following is an entry in ClinVar:

NM_004304.5(ALK):c.4074-13CTT[2]

Gene: ALK (ALK receptor tyrosine kinase; minus strand). Cytogenetic location: 2p23.2.
Variant type: Microsatellite.
Coding change: c.4074-13CTT[2] on transcript NM_004304.5 (MANE Select); two copies in a row of the 3-base unit CTT starting at c.4074-13; the reference has three copies in a row; one copy, 3 bases deleted.
Molecular consequence: intron variant.
Genome position (GRCh38, 1-based): chr2:29,196,865-29,196,867, AAG deleted on the plus strand (CTT on the coding strand, the reverse complement: ALK is on the minus strand); deleting any 3 consecutive bases within chr2:29,196,865-29,196,873 gives the same sequence; the position shown is the placement nearest the transcript's 3' end. VCF-style (leftmost placement, unchanged base first): chr2-29196864-AAAG-A. GRCh37 (hg19) VCF-style: chr2-29419730-AAAG-A.
Other names: c.870-13CTT[2] (NM_001353765.2).
Identifiers: ClinVar variation 1061256 (VCV001061256.9), dbSNP rs2148141994, ClinGen allele CA2580611256.

ClinVar aggregate classification (germline): Conflicting classifications of pathogenicity. Review status: criteria provided, conflicting classifications (1 of 4 stars). 2 submissions from 2 submitters: Uncertain significance (1); Likely benign (1). Last evaluated 2024-02-17.

Conditions:
Neuroblastoma, susceptibility to, 3. Also called: ALK-Related Neuroblastic Tumor Susceptibility. Identifiers: Orphanet 635, MedGen C2751681, MONDO:0013083, OMIM 613014.

Submissions (2):

Labcorp Genetics (formerly Invitae), Labcorp
Classification: Likely benign for Neuroblastoma, susceptibility to, 3. Last evaluated: 2024-02-17. Review status: criteria provided, single submitter. Criteria: Invitae Variant Classification Sherloc (09022015). Collection method: clinical testing. Allele origin: germline.

GeneDx
Classification: Uncertain significance. Last evaluated: 2023-03-27. Review status: criteria provided, single submitter. Criteria: GeneDx Variant Classification Process June 2021. Collection method: clinical testing. Allele origin: germline. Affected: yes.
Comment: Not observed at significant frequency in large population cohorts (gnomAD); Located in a region that tolerates variation and lacks pathogenic variants; Has not been previously published as pathogenic or benign to our knowledge; In silico analysis supports a deleterious effect on splicing